The following is an entry in ClinVar:

ClinVar aggregate classification (germline): Likely benign (1 of 4 stars; one submission).

Allele frequency attached by ClinVar (database versions not stated): TOPMed 0.00029; ExAC 0.00036; ESP Exome Variant Server 0.00038; gnomAD 0.00041.
gnomAD v4.1: 556 of 1,612,894 alleles (0.034%); highest among the groups gnomAD compares: Non-Finnish European, 0.041%; 3 homozygotes.

Submission:

CeGaT Center for Human Genetics Tuebingen
Classification: Likely benign. Last evaluated: 2022-11-01. Review status: criteria provided, single submitter. Criteria: CeGaT Center For Human Genetics Tuebingen Variant Classification Criteria Version 2. Collection method: clinical testing. Allele origin: germline. Affected: yes. Observed: 2 variant alleles.
Comment: PPP6R2: BP4, BP7

NM_001242898.2(PPP6R2):c.2508G>A (p.Ala836=)

Gene: PPP6R2 (protein phosphatase 6 regulatory subunit 2; plus strand). Cytogenetic location: 22q13.33.
Variant type: single nucleotide variant.
Coding change: c.2508G>A on transcript NM_001242898.2 (MANE Select); coding-DNA position 2508, G replaced by A.
Protein change: p.Ala836=; no amino-acid change (alanine 836 retained).
Molecular consequence: synonymous variant.
Genome position (GRCh38, 1-based): chr22:50,440,955, G>A. VCF-style: chr22-50440955-G-A. GRCh37 (hg19) VCF-style: chr22-50879384-G-A.
Other names: c.2430G>A, p.Ala810= (NM_001242899.2, NM_001242900.2, NM_001351644.2); c.2511G>A, p.Ala837= (NM_001351641.2, NM_001351642.2); c.2508G>A, p.Ala836= (NM_001351643.2); c.2427G>A, p.Ala809= (NM_001351645.2, NM_014678.5); c.2424G>A, p.Ala808= (NM_001351646.2); c.2022G>A, p.Ala674= (NM_001351647.2); c.1941G>A, p.Ala647= (NM_001351648.2); c.2529G>A, p.Ala843= (NM_001365836.1).
Identifiers: ClinVar variation 2653387 (VCV002653387.24), dbSNP rs372098989, ClinGen allele CA10315459.
Genomic context (GRCh38, chr22:50,440,955, plus strand): 5'-CTCCTCTGGGGGCTCCCACAGCGAGGATGGCGACCAGAAGGCAGCGAGTGCCATGGATGC[G>A]GTGAGCAGGGGTCCCGGCCGGGAGGCCCCCCCGCTGCCCACAGTGGCCAGGACAGAGGAG-3'
Protein context (NP_001229827.1, residues 826-846): GDQKAASAMD[Ala836=]VSRGPGREAP